The following is an entry in ClinVar:

ClinVar aggregate classification (germline): Pathogenic (1 of 4 stars; one submission).

Conditions:
Neurofibromatosis, type 1 (NF1). Also called: VON RECKLINGHAUSEN DISEASE; Peripheral type neurofibromatosis; NEUROFIBROMATOSIS, TYPE I, SOMATIC; Neurofibromatosis, type I. Identifiers: Orphanet 636, MedGen C0027831, MONDO:0018975, OMIM 162200. Disease mechanism: loss of function.

Submission:

Labcorp Genetics (formerly Invitae), Labcorp
Classification: Pathogenic for Neurofibromatosis, type 1. Last evaluated: 2026-01-18. Review status: criteria provided, single submitter. Criteria: Invitae Variant Classification Sherloc (09022015). Collection method: clinical testing. Allele origin: germline.
Comment: This sequence change creates a premature translational stop signal (p.Pro22Glnfs*2) in the NF1 gene. It is expected to result in an absent or disrupted protein product. Loss-of-function variants in NF1 are known to be pathogenic (PMID: 10712197, 23913538). This variant is not present in population databases (gnomAD no frequency). This variant has not been reported in the literature in individuals affected with NF1-related conditions. For these reasons, this variant has been classified as Pathogenic.

Literature cited by the submitters: PubMed 10712197; PubMed 23913538.

NM_001042492.3(NF1):c.65del (p.Pro22fs)

Gene: NF1 (neurofibromin 1; plus strand). Cytogenetic location: 17q11.2.
Variant type: Deletion.
Coding change: c.65del on transcript NM_001042492.3 (MANE Select); coding-DNA position 65, one base deleted (C; older notation c.65delC).
Protein change: p.Pro22fs; shifts the reading frame from proline 22.
Molecular consequence: frameshift variant.
Genome position (GRCh38, 1-based): chr17:31,155,987, C deleted; the last of 2 consecutive C bases (chr17:31,155,986-31,155,987); deleting either gives the same sequence. VCF-style (leftmost placement, unchanged base first): chr17-31155985-TC-T. GRCh37 (hg19) VCF-style: chr17-29483003-TC-T.
Other names: c.65del, p.Pro22fs (NM_000267.4, NM_001128147.3); short protein forms P22fs.
Identifiers: ClinVar variation 4735628 (VCV004735628.1).